The following is an entry in ClinVar:

ClinVar aggregate classification (germline): Uncertain significance. Review status: criteria provided, multiple submitters, no conflicts (2 of 4 stars). 2 submissions from 2 submitters: Uncertain significance (2). Last evaluated 2025-06-18.

Conditions:
Inborn genetic diseases. Identifiers: MedGen C0950123, MeSH D030342.

Allele frequency attached by ClinVar (database versions not stated): ExAC 0.00002; gnomAD 0.00002; TOPMed 0.00003.
gnomAD v4.1: 28 of 1,614,068 alleles (0.0017%); highest among the groups gnomAD compares: African/African-American, 0.0027%; no homozygotes.

Submissions (2):

Ambry Genetics
Classification: Uncertain significance for Inborn genetic diseases. Last evaluated: 2025-06-18. Review status: criteria provided, single submitter. Criteria: Ambry Variant Classification Scheme 2023. Collection method: clinical testing. Allele origin: germline.

Labcorp Genetics (formerly Invitae), Labcorp
Classification: Uncertain significance. Last evaluated: 2024-11-05. Review status: criteria provided, single submitter. Criteria: Invitae Variant Classification Sherloc (09022015). Collection method: clinical testing. Allele origin: germline.
Comment: This sequence change replaces alanine, which is neutral and non-polar, with threonine, which is neutral and polar, at codon 586 of the TCF20 protein (p.Ala586Thr). This variant is present in population databases (rs774531309, gnomAD 0.01%). This variant has not been reported in the literature in individuals affected with TCF20-related conditions. ClinVar contains an entry for this variant (Variation ID: 2905016). An algorithm developed to predict the effect of missense changes on protein structure and function (PolyPhen-2) suggests that this variant is likely to be tolerated. In summary, the available evidence is currently insufficient to determine the role of this variant in disease. Therefore, it has been classified as a Variant of Uncertain Significance.

NM_001378418.1(TCF20):c.1756G>A (p.Ala586Thr)

Gene: TCF20 (transcription factor 20; minus strand). Cytogenetic location: 22q13.2.
Variant type: single nucleotide variant.
Coding change: c.1756G>A on transcript NM_001378418.1 (MANE Select); coding-DNA position 1756, G replaced by A.
Protein change: p.Ala586Thr; replaces alanine 586 with threonine.
Molecular consequence: missense variant.
Genome position (GRCh38, 1-based): chr22:42,213,550, C>T on the plus strand (G>A on the coding strand, the complement: TCF20 is on the minus strand). VCF-style: chr22-42213550-C-T. GRCh37 (hg19) VCF-style: chr22-42609556-C-T.
Other names: c.1756G>A, p.Ala586Thr (NM_005650.4, NM_181492.3); c.1756G>A (NM_005650.1); short protein forms A586T.
Identifiers: ClinVar variation 2905016 (VCV002905016.4), dbSNP rs774531309, ClinGen allele CA10267124.